The following is an entry in ClinVar:

ClinVar aggregate classification (germline): Uncertain significance. Review status: criteria provided, multiple submitters, no conflicts (2 of 4 stars). 3 submissions from 3 submitters: Uncertain significance (2). 1 of the submissions does not count toward it. Last evaluated 2024-04-22.

Conditions:
Autosomal recessive polycystic kidney disease (ARPKD). Also called: AR polycystic kidney disease. Identifiers: Orphanet 731, Orphanet 8378, MedGen C0085548, MeSH D017044, MONDO:0009889.

Submissions (3):

Women's Health and Genetics/Laboratory Corporation of America, LabCorp
Classification: Uncertain significance. Last evaluated: 2024-04-22. Review status: criteria provided, single submitter. Criteria: LabCorp Variant Classification Summary - May 2015. Collection method: clinical testing. Allele origin: germline.
Comment: Variant summary: PKHD1 c.9053C>T (p.Ser3018Phe) results in a non-conservative amino acid change located in the Right handed beta helix domain (IPR039448) of the encoded protein sequence. Five of five in-silico tools predict a damaging effect of the variant on protein function. The variant was absent in 250210 control chromosomes (gnomAD). The available data on variant occurrences in the general population are insufficient to allow any conclusion about variant significance. c.9053C>T has been reported in the literature in individuals affected with Polycystic Kidney And Hepatic Disease (Ward_2002, Melchionda_2016). These data do not allow any conclusion about variant significance. To our knowledge, no experimental evidence demonstrating an impact on protein function has been reported. The following publications have been ascertained in the context of this evaluation (PMID: 11919560, 27225849). ClinVar contains an entry for this variant (Variation ID: 4110). Based on the evidence outlined above, the variant was classified as uncertain significance.

GeneDx
Classification: Uncertain significance. Last evaluated: 2019-12-03. Review status: criteria provided, single submitter. Criteria: GeneDx Variant Classification Process June 2021. Collection method: clinical testing. Allele origin: germline. Affected: yes.
Comment: Not observed in large population cohorts (Lek et al., 2016); In silico analysis, which includes protein predictors and evolutionary conservation, supports a deleterious effect; This variant is associated with the following publications: (PMID: 16523049, 14741187, 12846734, 27225849, 11919560)

OMIM
Classification: Pathogenic for POLYCYSTIC KIDNEY DISEASE 4. Last evaluated: 2002-03-01. Review status: no assertion criteria provided. Collection method: literature only. Allele origin: germline. Not counted in ClinVar's aggregate classification.

Literature cited by the submitters: PubMed 27225849 (cited by Women's Health and Genetics/Laboratory Corporation of America, LabCorp); PubMed 11919560 (cited by Women's Health and Genetics/Laboratory Corporation of America, LabCorp and OMIM).

NM_138694.4(PKHD1):c.9053C>T (p.Ser3018Phe)

Gene: PKHD1 (PKHD1 ciliary IPT domain containing fibrocystin/polyductin; minus strand). Cytogenetic location: 6p12.3.
Variant type: single nucleotide variant.
Coding change: c.9053C>T on transcript NM_138694.4 (MANE Select); coding-DNA position 9053, C replaced by T.
Protein change: p.Ser3018Phe; replaces serine 3018 with phenylalanine.
Molecular consequence: missense variant.
Genome position (GRCh38, 1-based): chr6:51,748,563, G>A on the plus strand (C>T on the coding strand, the complement: PKHD1 is on the minus strand). VCF-style: chr6-51748563-G-A. GRCh37 (hg19) VCF-style: chr6-51613361-G-A.
Other names: c.9053C>T, p.Ser3018Phe (NM_170724.3); short protein forms S3018F.
Identifiers: ClinVar variation 4110 (VCV000004110.4), dbSNP rs137852945, ClinGen allele CA253010.